The following is an entry in ClinVar:

ClinVar aggregate classification (germline): Benign (1 of 4 stars; one submission).

Conditions:
Vesicoureteral reflux 2 (VUR2). Identifiers: Orphanet 289365, MedGen C1970483, MONDO:0012573, OMIM 610878.

Allele frequency attached by ClinVar (database versions not stated): gnomAD 0.00185 and 0.00192; 1000 Genomes Project 0.00200; TOPMed 0.00217; 1000 Genomes Project 30x 0.00250.

Submission:

Illumina Laboratory Services, Illumina
Classification: Benign for Vesicoureteral reflux 2. Last evaluated: 2018-01-13. Review status: criteria provided, single submitter. Criteria: ICSL Variant Classification Criteria 13 December 2019. Collection method: clinical testing. Allele origin: germline.
Comment: This variant was observed in the ICSL laboratory as part of a predisposition screen in an ostensibly healthy population. It had not been previously curated by ICSL or reported in the Human Gene Mutation Database (HGMD: prior to June 1st, 2018), and was therefore a candidate for classification through an automated scoring system. Utilizing variant allele frequency, disease prevalence and penetrance estimates, and inheritance mode, an automated score was calculated to assess if this variant is too frequent to cause the disease. Based on the score and internal cut-off values, a variant classified as benign is not then subjected to further curation. The score for this variant resulted in a classification of benign for this disease.

NM_001395656.1(ROBO2):c.*486A>T

Gene: ROBO2 (roundabout guidance receptor 2; plus strand). Cytogenetic location: 3p12.3.
Variant type: single nucleotide variant.
Coding change: c.*486A>T on transcript NM_001395656.1 (MANE Select); 486 bases downstream of the stop codon, A replaced by T.
Molecular consequence: 3 prime UTR variant.
Genome position (GRCh38, 1-based): chr3:77,646,541, A>T. VCF-style: chr3-77646541-A-T. GRCh37 (hg19) VCF-style: chr3-77695692-A-T.
Other names: c.*486A>T (NM_001128929.3, NM_001290039.2, NM_001290040.2 and 14 more transcripts); c.*483A>T (NM_001378194.1, NM_001378196.1, NM_001378199.1 and 3 more transcripts).
Identifiers: ClinVar variation 346719 (VCV000346719.6), dbSNP rs181305605, ClinGen allele CA10616684.